The following is an entry in ClinVar:

ClinVar aggregate classification (germline): Uncertain significance. Review status: criteria provided, multiple submitters, no conflicts (2 of 4 stars). 2 submissions from 2 submitters: Uncertain significance (2). Last evaluated 2025-11-20.

Conditions:
Inborn genetic diseases. Identifiers: MedGen C0950123, MeSH D030342.

Allele frequency attached by ClinVar (database versions not stated): gnomAD exomes below 0.00001 and 0.00002; TOPMed 0.00001; ExAC 0.00002; gnomAD 0.00003; 1000 Genomes Project 0.00020; 1000 Genomes Project 30x 0.00031.
gnomAD v4.1: 8 of 1,614,122 alleles (0.0005%); highest among the groups gnomAD compares: African/African-American, 0.0067%; no homozygotes.

Submissions (2):

Ambry Genetics
Classification: Uncertain significance for Inborn genetic diseases. Last evaluated: 2025-11-20. Review status: criteria provided, single submitter. Criteria: Ambry Variant Classification Scheme 2023. Collection method: clinical testing. Allele origin: germline.

Labcorp Genetics (formerly Invitae), Labcorp
Classification: Uncertain significance. Last evaluated: 2025-03-03. Review status: criteria provided, single submitter. Criteria: Invitae Variant Classification Sherloc (09022015). Collection method: clinical testing. Allele origin: germline.
Comment: This sequence change replaces glycine, which is neutral and non-polar, with arginine, which is basic and polar, at codon 2162 of the ABCA4 protein (p.Gly2162Arg). This variant is present in population databases (rs545397722, gnomAD 0.01%). This variant has not been reported in the literature in individuals affected with ABCA4-related conditions. ClinVar contains an entry for this variant (Variation ID: 1364902). Invitae Evidence Modeling of protein sequence and biophysical properties (such as structural, functional, and spatial information, amino acid conservation, physicochemical variation, residue mobility, and thermodynamic stability) indicates that this missense variant is expected to disrupt ABCA4 protein function with a positive predictive value of 95%. In summary, the available evidence is currently insufficient to determine the role of this variant in disease. Therefore, it has been classified as a Variant of Uncertain Significance.

NM_000350.3(ABCA4):c.6484G>A (p.Gly2162Arg)

Gene: ABCA4 (ATP binding cassette subfamily A member 4; minus strand). Cytogenetic location: 1p22.1.
Variant type: single nucleotide variant.
Coding change: c.6484G>A on transcript NM_000350.3 (MANE Select); coding-DNA position 6484, G replaced by A.
Protein change: p.Gly2162Arg; replaces glycine 2162 with arginine.
Molecular consequence: missense variant.
Genome position (GRCh38, 1-based): chr1:93,998,106, C>T on the plus strand (G>A on the coding strand, the complement: ABCA4 is on the minus strand). VCF-style: chr1-93998106-C-T. GRCh37 (hg19) VCF-style: chr1-94463662-C-T.
Other names: c.6484G>A (NM_000350.2); c.6262G>A, p.Gly2088Arg (NM_001425324.1); short protein forms G2162R, G2088R.
Identifiers: ClinVar variation 1364902 (VCV001364902.7), dbSNP rs545397722, ClinGen allele CA956857.